The following is an entry in ClinVar:

NM_001166114.2(PNPLA6):c.225A>G (p.Arg75=)

Gene: PNPLA6 (patatin like domain 6, lysophospholipase; plus strand). Cytogenetic location: 19p13.2.
Variant type: single nucleotide variant.
Coding change: c.225A>G on transcript NM_001166114.2 (MANE Select); coding-DNA position 225, A replaced by G.
Protein change: p.Arg75=; no amino-acid change (arginine 75 retained).
Molecular consequence: synonymous variant.
Genome position (GRCh38, 1-based): chr19:7,536,013, A>G. VCF-style: chr19-7536013-A-G. GRCh37 (hg19) VCF-style: chr19-7600899-A-G.
Other names: c.252A>G, p.Arg84= (NM_001166111.2); c.108A>G, p.Arg36= (NM_001166112.2, NM_001166113.1, NM_006702.5); c.252A>G (NM_001166111.1).
Identifiers: ClinVar variation 392043 (VCV000392043.19), dbSNP rs553088930, ClinGen allele CA9139370.
Genomic context (GRCh38, chr19:7,536,013, plus strand): 5'-GGCCGGAGTGGCGGTGGTGGTCACGGCCGTGCTCATCCTCCTGGTGGTGCGGAGGCTGCG[A>G]GTGCCAAGTGAGCACCCGAGGGGCCCCTCTTGGGAGGCTGTATGGTGGGGGGCCCAAATG-3'
Protein context (NP_001159586.1, residues 65-85): VLILLVVRRL[Arg75=]VPKTPAPDGP

ClinVar aggregate classification (germline): Conflicting classifications of pathogenicity. Review status: criteria provided, conflicting classifications (1 of 4 stars). 6 submissions from 6 submitters: Uncertain significance (1); Likely benign (5). Last evaluated 2026-01-28.

Conditions:
Hereditary spastic paraplegia 39 (SPG39). Also called: Spastic Paraplegia Type 39 (SPG39); SPASTIC PARAPLEGIA 39, AUTOSOMAL RECESSIVE. Identifiers: Orphanet 139480, MedGen C2677586, MONDO:0012787, OMIM 612020.
Hereditary spastic paraplegia. Also called: Familial spastic paraparesis. Identifiers: Orphanet 685, MedGen C0037773, MONDO:0019064. Disease mechanism: loss of function.

Allele frequency attached by ClinVar (database versions not stated): gnomAD 0.00023; TOPMed 0.00023; gnomAD exomes 0.00037.
gnomAD v4.1: 561 of 1,576,052 alleles (0.036%); highest among the groups gnomAD compares: Non-Finnish European, 0.045%; no homozygotes.

Submissions (6):

Labcorp Genetics (formerly Invitae), Labcorp
Classification: Likely benign for Hereditary spastic paraplegia 39. Last evaluated: 2026-01-28. Review status: criteria provided, single submitter. Criteria: Invitae Variant Classification Sherloc (09022015). Collection method: clinical testing. Allele origin: germline.

Blueprint Genetics
Classification: Likely benign. Last evaluated: 2024-10-24. Review status: criteria provided, single submitter. Criteria: ACMG Guidelines, 2015. Collection method: clinical testing. Allele origin: germline.

Athena Diagnostics
Classification: Likely benign. Last evaluated: 2024-04-26. Review status: criteria provided, single submitter. Criteria: Athena Diagnostics Criteria. Collection method: clinical testing. Allele origin: unknown.

Genome Diagnostics Laboratory, The Hospital for Sick Children
Classification: Likely benign for Hereditary spastic paraplegia. Last evaluated: 2019-09-01. Review status: criteria provided, single submitter. Criteria: ACMG Guidelines, 2015. Collection method: clinical testing. Allele origin: germline. Affected: yes.

Illumina Laboratory Services, Illumina
Classification: Uncertain significance for Hereditary spastic paraplegia 39. Last evaluated: 2018-01-13. Review status: criteria provided, single submitter. Criteria: ICSL Variant Classification Criteria 13 December 2019. Collection method: clinical testing. Allele origin: germline.

GeneDx
Classification: Likely benign. Last evaluated: 2016-12-30. Review status: criteria provided, single submitter. Criteria: GeneDx Variant Classification (06012015). Collection method: clinical testing. Allele origin: germline. Affected: yes.
Comment: This variant is considered likely benign or benign based on one or more of the following criteria: it is a conservative change, it occurs at a poorly conserved position in the protein, it is predicted to be benign by multiple in silico algorithms, and/or has population frequency not consistent with disease.